The following is an entry in ClinVar:

ClinVar aggregate classification (germline): Benign/Likely benign. Review status: criteria provided, multiple submitters, no conflicts (2 of 4 stars). 3 submissions from 3 submitters: Benign (1); Likely benign (1). 1 of the submissions does not count toward it. Last evaluated 2026-01-28.

Conditions:
GABRA2-related disorder. Also called: GABRA2-related condition.

Allele frequency attached by ClinVar (database versions not stated): ExAC 0.00028; 1000 Genomes Project 0.00060; 1000 Genomes Project 30x 0.00062; gnomAD exomes 0.00145 and 0.00249; TOPMed 0.00180; gnomAD 0.00187 and 0.00191.
gnomAD v4.1: 1,642 of 695,880 alleles (0.24%); highest among the groups gnomAD compares: Non-Finnish European, 0.36%; 2 homozygotes.

Submissions (3):

Labcorp Genetics (formerly Invitae), Labcorp
Classification: Likely benign. Last evaluated: 2026-01-28. Review status: criteria provided, single submitter. Criteria: Invitae Variant Classification Sherloc (09022015). Collection method: clinical testing. Allele origin: germline.

CeGaT Center for Human Genetics Tuebingen
Classification: Benign. Last evaluated: 2024-08-01. Review status: criteria provided, single submitter. Criteria: CeGaT Center For Human Genetics Tuebingen Variant Classification Criteria Version 2. Collection method: clinical testing. Allele origin: germline. Affected: yes. Observed: 8 variant alleles.
Comment: GABRA2: PP2, BP4, BS1, BS2

PreventionGenetics, part of Exact Sciences
Classification: Likely benign for GABRA2-related condition. Last evaluated: 2022-07-08. Review status: no assertion criteria provided. Collection method: clinical testing. Allele origin: germline. Not counted in ClinVar's aggregate classification.
Comment: This variant is classified as likely benign based on ACMG/AMP sequence variant interpretation guidelines (Richards et al. 2015 PMID: 25741868, with internal and published modifications).

NM_000807.4(GABRA2):c.1059+5658C>T

Gene: GABRA2 (gamma-aminobutyric acid type A receptor subunit alpha2; minus strand). Cytogenetic location: 4p12.
Variant type: single nucleotide variant.
Coding change: c.1059+5658C>T on transcript NM_000807.4 (MANE Select); 5658 bases into the intron after coding-DNA position 1059, C replaced by T.
Molecular consequence: intron variant. On other transcripts: missense variant (4).
Genome position (GRCh38, 1-based): chr4:46,256,268, G>A on the plus strand (C>T on the coding strand, the complement: GABRA2 is on the minus strand). VCF-style: chr4-46256268-G-A. GRCh37 (hg19) VCF-style: chr4-46258285-G-A.
Other names: c.1166C>T (NM_001330690.1); c.1001C>T, p.Pro334Leu (NM_001286827.3); c.1166C>T, p.Pro389Leu (NM_001330690.2, NM_001377144.1, NM_001377145.1); c.894+5658C>T (NM_001377154.1, NM_001377152.1, NM_001377153.1); c.1059+5658C>T (NM_001377146.1, NM_001377150.1, NM_001377147.1 and 4 more transcripts); short protein forms P334L, P389L.
Identifiers: ClinVar variation 1614601 (VCV001614601.33), dbSNP rs537466683, ClinGen allele CA2906580.